The following is an entry in ClinVar:

NM_033026.6(PCLO):c.1180C>T (p.Pro394Ser)

Gene: PCLO (piccolo presynaptic cytomatrix protein; minus strand). Cytogenetic location: 7q21.11.
Variant type: single nucleotide variant.
Coding change: c.1180C>T on transcript NM_033026.6 (MANE Select); coding-DNA position 1180, C replaced by T.
Protein change: p.Pro394Ser; replaces proline 394 with serine.
Molecular consequence: missense variant.
Genome position (GRCh38, 1-based): chr7:83,155,461, G>A on the plus strand (C>T on the coding strand, the complement: PCLO is on the minus strand). VCF-style: chr7-83155461-G-A. GRCh37 (hg19) VCF-style: chr7-82784777-G-A.
Other names: c.1180C>T, p.Pro394Ser (NM_014510.3); short protein forms P394S.
Identifiers: ClinVar variation 1347943 (VCV001347943.6), dbSNP rs545044461, ClinGen allele CA4321503.
Genomic context (GRCh38, chr7:83,155,461, plus strand): 5'-GCTGGGTTGGAGGCTTTGCTGGCCCTGGCTGTTGAGCTGGAGTCTTTCCAACTCCAGGAG[G>A]CTGAGCTAAAGCCTTTGGCCCAGGCTGCTCCGATGAAGGCTTCTCTGACCCAGTCTGCTG-3'
Protein context (NP_149015.2, residues 384-404): EQPGPKALAQ[Pro394Ser]PGVGKTPAQQ

ClinVar aggregate classification (germline): Uncertain significance (1 of 4 stars; one submission).

Allele frequency attached by ClinVar (database versions not stated): gnomAD exomes 0.00002 and 0.00003; ExAC 0.00003; TOPMed 0.00005; gnomAD 0.00007 and 0.00008; 1000 Genomes Project 30x 0.00016; 1000 Genomes Project 0.00020.
gnomAD v4.1: 39 of 1,606,088 alleles (0.0024%); highest among the groups gnomAD compares: African/African-American, 0.039%; no homozygotes.

Submission:

Labcorp Genetics (formerly Invitae), Labcorp
Classification: Uncertain significance. Last evaluated: 2025-08-11. Review status: criteria provided, single submitter. Criteria: Invitae Variant Classification Sherloc (09022015). Collection method: clinical testing. Allele origin: germline.
Comment: This sequence change replaces proline, which is neutral and non-polar, with serine, which is neutral and polar, at codon 394 of the PCLO protein (p.Pro394Ser). This variant is present in population databases (rs545044461, gnomAD 0.03%). This variant has not been reported in the literature in individuals affected with PCLO-related conditions. ClinVar contains an entry for this variant (Variation ID: 1347943). An algorithm developed to predict the effect of missense changes on protein structure and function (PolyPhen-2) suggests that this variant is likely to be disruptive. In summary, the available evidence is currently insufficient to determine the role of this variant in disease. Therefore, it has been classified as a Variant of Uncertain Significance.